The following is an entry in ClinVar:

ClinVar aggregate classification (germline): Pathogenic (1 of 4 stars; one submission).
ClinVar aggregate classification (oncogenicity): Oncogenic (1 of 4 stars; one submission).

Conditions:
Neurofibromatosis, type 2 (SWNV). Also called: BILATERAL ACOUSTIC NEUROFIBROMATOSIS; SCHWANNOMATOSIS, VESTIBULAR; NF2-Related Schwannomatosis. Identifiers: Orphanet 637, MedGen C0027832, MONDO:0007039, OMIM 101000. Disease mechanism: loss of function.
Meningioma. Also called: Meningioma, somatic. Identifiers: Orphanet 2495, MedGen C0025286, MONDO:0016642, HP:0002858.

Submissions (2):

Dr. Guy Rouleau's laboratory, McGill University
Classification: Oncogenic for Meningioma. Last evaluated: 2025-03-30. Review status: criteria provided, single submitter. Criteria: ClinGen/CGC/VICC Guidelines for Oncogenicity, 2022. Collection method: research. Allele origin: somatic. Affected: yes.
Comment: This frameshift variant generates a premature translational stop signal (p.Arg388fs) in the NF2 gene, which is expected to result in an absent or disrupted protein product. Loss-of-function variants in NF2 are well-documented as pathogenic (PMIDs: 8755919, 9643284, 16983642). This somatic variant was identified in a paired tumor-blood sequencing study of meningiomas. It is documented in ClinVar (ID: 941030) but has not been reported in population databases (gnomAD v2.1.1: no frequency).

Labcorp Genetics (formerly Invitae), Labcorp
Classification: Pathogenic for Neurofibromatosis, type 2. Last evaluated: 2019-09-11. Review status: criteria provided, single submitter. Criteria: Invitae Variant Classification Sherloc (09022015). Collection method: clinical testing. Allele origin: germline.
Comment: For these reasons, this variant has been classified as Pathogenic. Loss-of-function variants in NF2 are known to be pathogenic (PMID: 9643284, 16983642). Algorithms developed to predict the effect of sequence changes on RNA splicing suggest that this variant may create or strengthen a splice site, but this prediction has not been confirmed by published transcriptional studies. This variant has not been reported in the literature in individuals with NF2-related conditions. This variant is not present in population databases (ExAC no frequency). This sequence change creates a premature translational stop signal (p.Ala388Profs*38) in the NF2 gene. It is expected to result in an absent or disrupted protein product.

Literature cited by the submitters: PubMed 9643284 (cited by Labcorp Genetics (formerly Invitae), Labcorp); PubMed 16983642 (cited by Labcorp Genetics (formerly Invitae), Labcorp).

NM_000268.4(NF2):c.1162del (p.Ala388fs)

Gene: NF2 (NF2, moesin-ezrin-radixin like (MERLIN) tumor suppressor; plus strand). Cytogenetic location: 22q12.2.
Variant type: Deletion.
Coding change: c.1162del on transcript NM_000268.4 (MANE Select); coding-DNA position 1162, one base deleted (G; older notation c.1162delG).
Protein change: p.Ala388fs; shifts the reading frame from alanine 388.
Molecular consequence: frameshift variant. On other transcripts: non-coding transcript variant (1), intron variant (1).
Genome position (GRCh38, 1-based): chr22:29,673,308, G deleted; the last of 2 consecutive G bases (chr22:29,673,307-29,673,308); deleting either gives the same sequence. VCF-style (leftmost placement, unchanged base first): chr22-29673306-AG-A. GRCh37 (hg19) VCF-style: chr22-30069295-AG-A.
Other names: c.1162del, p.Ala388fs (NM_016418.5, NM_181825.3, NM_181832.3); c.1036del, p.Ala346fs (NM_181828.3); c.1039del, p.Ala347fs (NM_181829.3); c.913del, p.Ala305fs (NM_181830.3, NM_181831.3); c.448-21444del (NM_181833.3); short protein forms A347fs, A388fs, A305fs, A346fs.
Identifiers: ClinVar variation 941030 (VCV000941030.9), dbSNP rs2066859618, ClinGen allele CA514185931.